The following is an entry in ClinVar:

NM_002661.5(PLCG2):c.133G>A (p.Val45Met)

Gene: PLCG2 (phospholipase C gamma 2; plus strand). Cytogenetic location: 16q23.3.
Variant type: single nucleotide variant.
Coding change: c.133G>A on transcript NM_002661.5 (MANE Select); coding-DNA position 133, G replaced by A.
Protein change: p.Val45Met; replaces valine 45 with methionine.
Molecular consequence: missense variant.
Genome position (GRCh38, 1-based): chr16:81,786,122, G>A. VCF-style: chr16-81786122-G-A. GRCh37 (hg19) VCF-style: chr16-81819727-G-A.
Other names: c.133G>A (NM_002661.3); short protein forms V45M.
Identifiers: ClinVar variation 1045819 (VCV001045819.9), dbSNP rs368137889, ClinGen allele CA396895533.

ClinVar aggregate classification (germline): Uncertain significance. Review status: criteria provided, multiple submitters, no conflicts (2 of 4 stars). 2 submissions from 2 submitters: Uncertain significance (2). Last evaluated 2024-11-26.

Conditions:
Inborn genetic diseases. Identifiers: MedGen C0950123, MeSH D030342.
Familial cold autoinflammatory syndrome 3 (FCAS3). Also called: FAMILIAL ATYPICAL COLD URTICARIA; ANTIBODY DEFICIENCY AND IMMUNE DYSREGULATION, PLCG2-ASSOCIATED. Identifiers: Orphanet 300359, MedGen C3280914, MONDO:0013766, OMIM 614468.

Allele frequency attached by ClinVar (database versions not stated): gnomAD exomes below 0.00001; TOPMed below 0.00001.
gnomAD v4.1: 4 of 1,614,212 alleles (0.00025%); highest among the groups gnomAD compares: Admixed American, 0.0017%; no homozygotes.

Submissions (2):

Ambry Genetics
Classification: Uncertain significance for Inborn genetic diseases. Last evaluated: 2024-11-26. Review status: criteria provided, single submitter. Criteria: Ambry Variant Classification Scheme 2023. Collection method: clinical testing. Allele origin: germline.

Labcorp Genetics (formerly Invitae), Labcorp
Classification: Uncertain significance for Familial cold autoinflammatory syndrome 3. Last evaluated: 2022-09-13. Review status: criteria provided, single submitter. Criteria: Invitae Variant Classification Sherloc (09022015). Collection method: clinical testing. Allele origin: germline.
Comment: In summary, the available evidence is currently insufficient to determine the role of this variant in disease. Therefore, it has been classified as a Variant of Uncertain Significance. This sequence change replaces valine, which is neutral and non-polar, with methionine, which is neutral and non-polar, at codon 45 of the PLCG2 protein (p.Val45Met). This variant is not present in population databases (gnomAD no frequency). This variant has not been reported in the literature in individuals affected with PLCG2-related conditions. ClinVar contains an entry for this variant (Variation ID: 1045819). Algorithms developed to predict the effect of missense changes on protein structure and function output the following: SIFT: "Tolerated"; PolyPhen-2: "Benign"; Align-GVGD: "Class C0". The methionine amino acid residue is found in multiple mammalian species, which suggests that this missense change does not adversely affect protein function.